The following is an entry in ClinVar:

ClinVar aggregate classification (germline): Uncertain significance. Review status: criteria provided, multiple submitters, no conflicts (2 of 4 stars). 3 submissions from 3 submitters: Uncertain significance (3). Last evaluated 2025-06-08.

Conditions:
Cardiovascular phenotype. Identifiers: MedGen CN230736.
Dilated cardiomyopathy 1AA (CMD1AA). Also called: Cardiomyopathy, dilated, 1AA, with or without LVNC; CARDIOMYOPATHY, DILATED, 1AA, WITH OR WITHOUT LEFT VENTRICULAR NONCOMPACTION; CARDIOMYOPATHY, FAMILIAL HYPERTROPHIC, 23, WITH OR WITHOUT LEFT VENTRICULAR NONCOMPACTION. Identifiers: Orphanet 154, MedGen C2677338, MONDO:0012808, OMIM 612158.
Primary familial hypertrophic cardiomyopathy (HCM). Identifiers: Orphanet 99739, MedGen C0949658, MeSH D024741, MONDO:0024573. Inheritance: Various modes of inheritance.

Allele frequency attached by ClinVar (database versions not stated): gnomAD exomes 0.00001 and 0.00002; gnomAD 0.00002; TOPMed 0.00002.
gnomAD v4.1: 13 of 1,613,954 alleles (0.00081%); highest among the groups gnomAD compares: East Asian, 0.0067%; no homozygotes.

Submissions (3):

Labcorp Genetics (formerly Invitae), Labcorp
Classification: Uncertain significance for Primary familial hypertrophic cardiomyopathy; Dilated cardiomyopathy 1AA. Last evaluated: 2025-06-08. Review status: criteria provided, single submitter. Criteria: Invitae Variant Classification Sherloc (09022015). Collection method: clinical testing. Allele origin: germline.
Comment: This sequence change falls in intron 17 of the ACTN2 gene. It does not directly change the encoded amino acid sequence of the ACTN2 protein. It affects a nucleotide within the consensus splice site. This variant is present in population databases (no rsID available, gnomAD 0.004%). This variant has not been reported in the literature in individuals affected with ACTN2-related conditions. ClinVar contains an entry for this variant (Variation ID: 463201). Variants that disrupt the consensus splice site are a relatively common cause of aberrant splicing (PMID: 17576681, 9536098). Algorithms developed to predict the effect of sequence changes on RNA splicing suggest that this variant is not likely to affect RNA splicing. In summary, the available evidence is currently insufficient to determine the role of this variant in disease. Therefore, it has been classified as a Variant of Uncertain Significance.

Ambry Genetics
Classification: Uncertain significance for Cardiovascular phenotype. Last evaluated: 2024-07-09. Review status: criteria provided, single submitter. Criteria: Ambry Variant Classification Scheme 2023. Collection method: clinical testing. Allele origin: germline.
Comment: The c.2154+4C>T intronic variant results from a C to T substitution 4 nucleotides after coding exon 17 in the ACTN2 gene. This nucleotide position is not well conserved in available vertebrate species. In silico splice site analysis predicts that this alteration will not have any significant effect on splicing. Since supporting evidence is limited at this time, the clinical significance of this alteration remains unclear.

Breakthrough Genomics
Classification: Uncertain significance. Review status: criteria provided, single submitter. Criteria: ACMG Guidelines, 2015. Collection method: not provided. Allele origin: germline. Inheritance: Autosomal dominant inheritance. Affected: yes.

Literature cited by the submitters: PubMed 17576681 (cited by Labcorp Genetics (formerly Invitae), Labcorp); PubMed 9536098 (cited by Labcorp Genetics (formerly Invitae), Labcorp).

NM_001103.4(ACTN2):c.2154+4C>T

Gene: ACTN2 (actinin alpha 2; plus strand). Cytogenetic location: 1q43.
Variant type: single nucleotide variant.
Coding change: c.2154+4C>T on transcript NM_001103.4 (MANE Select); 4 bases into the intron after coding-DNA position 2154, C replaced by T.
Molecular consequence: intron variant.
Genome position (GRCh38, 1-based): chr1:236,755,202, C>T. VCF-style: chr1-236755202-C-T. GRCh37 (hg19) VCF-style: chr1-236918502-C-T.
Other names: c.1530+4C>T (NM_001278344.2); c.2154+4C>T (NM_001278343.2).
Identifiers: ClinVar variation 463201 (VCV000463201.9), dbSNP rs1342624709, ClinGen allele CA529912380.